The following is an entry in ClinVar:

NM_001605.3(AARS1):c.720_721del (p.Gly241fs)

Gene: AARS1 (alanyl-tRNA synthetase 1; minus strand). Cytogenetic location: 16q22.1.
Variant type: Deletion.
Coding change: c.720_721del on transcript NM_001605.3 (MANE Select); coding-DNA positions 720 to 721, 2 bases deleted (AG; older notation c.720_721delAG).
Protein change: p.Gly241fs; shifts the reading frame from glycine 241.
Molecular consequence: frameshift variant.
Genome position (GRCh38, 1-based): chr16:70,270,291-70,270,292, CT deleted on the plus strand (AG on the coding strand, the reverse complement: AARS1 is on the minus strand). VCF-style (leftmost placement, unchanged base first): chr16-70270290-CCT-C. GRCh37 (hg19) VCF-style: chr16-70304193-CCT-C.
Other names: c.720_721delAG (NM_001605.2); short protein forms G241fs.
Identifiers: ClinVar variation 1682286 (VCV001682286.7), dbSNP rs977976041, ClinGen allele CA283440552.

ClinVar aggregate classification (germline): Pathogenic/Likely pathogenic. Review status: criteria provided, multiple submitters, no conflicts (2 of 4 stars). 2 submissions from 2 submitters: Pathogenic (1); Likely pathogenic (1). Last evaluated 2025-06-02.

Conditions:
AARS1-related disorder. Also called: AARS1-related condition.
Charcot-Marie-Tooth disease type 2. Also called: Charcot-Marie-Tooth type 2. Identifiers: Orphanet 64746, MedGen C0270914, MONDO:0018993.

Allele frequency attached by ClinVar (database versions not stated): gnomAD exomes 0.00001; TOPMed 0.00001.

Submissions (2):

PreventionGenetics, part of Exact Sciences
Classification: Likely pathogenic for AARS1-related condition. Last evaluated: 2025-06-02. Review status: criteria provided, single submitter. Criteria: ACMG Guidelines, 2015. Collection method: clinical testing. Allele origin: germline.
Comment: The AARS1 c.720_721delAG variant is predicted to result in a frameshift and premature protein termination (p.Gly241Aspfs*13). To our knowledge, this variant has not been reported in the literature. This variant is reported in 0.0087% of alleles in individuals of Latino descent in gnomAD. Frameshift variants in AARS1 have been associated with autosomal recessive AARS1-related white matter disease and are expected to be pathogenic (Helman et al. 2021. PubMed ID: 34446925). This variant is interpreted as likely pathogenic.

Labcorp Genetics (formerly Invitae), Labcorp
Classification: Pathogenic for Charcot-Marie-Tooth disease type 2. Last evaluated: 2025-05-07. Review status: criteria provided, single submitter. Criteria: Invitae Variant Classification Sherloc (09022015). Collection method: clinical testing. Allele origin: germline.
Comment: This sequence change creates a premature translational stop signal (p.Gly241Aspfs*13) in the AARS gene. It is expected to result in an absent or disrupted protein product. Loss-of-function variants in AARS are known to be pathogenic (PMID: 25817015, 28493438, 34446925). This variant is present in population databases (no rsID available, gnomAD 0.009%). This variant has not been reported in the literature in individuals affected with AARS-related conditions. ClinVar contains an entry for this variant (Variation ID: 1682286). For these reasons, this variant has been classified as Pathogenic.

Literature cited by the submitters: PubMed 25817015 (cited by Labcorp Genetics (formerly Invitae), Labcorp); PubMed 28493438 (cited by Labcorp Genetics (formerly Invitae), Labcorp); PubMed 34446925 (cited by Labcorp Genetics (formerly Invitae), Labcorp).